The following is an entry in ClinVar:

ClinVar aggregate classification (germline): Uncertain significance (1 of 4 stars; one submission).

Conditions:
Intellectual developmental disorder, X-linked, syndromic, Turner type. Also called: X-linked intellectual disability, Turner type; Intellectual disability, X-linked syndromic, Turner type. Identifiers: Orphanet 3056, Orphanet 85328, MedGen C2678046, MONDO:0010407, OMIM 309590.

Submission:

Victorian Clinical Genetics Services, Murdoch Childrens Research Institute
Classification: Uncertain significance for Intellectual developmental disorder, X-linked, syndromic, Turner type. Last evaluated: 2023-07-17. Review status: criteria provided, single submitter. Criteria: ACMG Guidelines, 2015. Collection method: clinical testing. Allele origin: germline. Inheritance: X-linked inheritance. Affected: yes.
Comment: Based on the classification scheme VCGS_Germline_v1.3.4, this variant is classified as VUS-3A. Following criteria are met: 0103 - Loss of function and gain of function are known mechanisms of disease in this gene and are associated with intellectual developmental disorder, X-linked syndromic, Turner type (MIM#309590) (PMID: 27130160). (I) 0110 - This gene is associated with X-linked disease. Due to skewed X-inactivation heterozygous females can be variably affected ranging from asymptomatic to fully manifesting the condition (PMID: 29180823). (I) 0200 - Variant is predicted to result in a missense amino acid change from tyrosine to phenylalanine. (I) 0253 - This variant is hemizygous. (I) 0301 - Variant is absent from gnomAD (both v2 and v3). (SP) 0502 - Missense variant with conflicting in silico predictions and uninformative conservation. (I) 0603 - Missense variant in a region that is highly intolerant to missense variation (high constraint region in DECIPHER). (SP) 0705 - No comparable missense variants have previous evidence for pathogenicity. (I) 0807 - This variant has no previous evidence of pathogenicity. (I) 0905 - No published segregation evidence has been identified for this variant. (I) 1007 - No published functional evidence has been identified for this variant. (I) 1208 - Inheritance information for this variant is not currently available in this individual. (I) Legend: (SP) - Supporting pathogenic, (I) - Information, (SB) - Supporting benign

Literature cited by the submitters: PubMed 27130160; PubMed 29180823.

NM_031407.7(HUWE1):c.9425A>T (p.Tyr3142Phe)

Gene: HUWE1 (HECT, UBA and WWE domain containing E3 ubiquitin protein ligase 1; minus strand). Cytogenetic location: Xp11.22.
Variant type: single nucleotide variant.
Coding change: c.9425A>T on transcript NM_031407.7 (MANE Select); coding-DNA position 9425, A replaced by T.
Protein change: p.Tyr3142Phe; replaces tyrosine 3142 with phenylalanine.
Molecular consequence: missense variant.
Genome position (GRCh38, 1-based): chrX:53,550,729, T>A on the plus strand (A>T on the coding strand, the complement: HUWE1 is on the minus strand). VCF-style: chrX-53550729-T-A. GRCh37 (hg19) VCF-style: chrX-53577690-T-A.
Other names: short protein forms Y3142F.
Identifiers: ClinVar variation 3255168 (VCV003255168.2), dbSNP rs2523308897.